The following is an entry in ClinVar:

NM_024334.3(TMEM43):c.1196T>G (p.Leu399Trp)

Gene: TMEM43 (transmembrane protein 43; plus strand). Cytogenetic location: 3p25.1.
Variant type: single nucleotide variant.
Coding change: c.1196T>G on transcript NM_024334.3 (MANE Select); coding-DNA position 1196, T replaced by G.
Protein change: p.Leu399Trp; replaces leucine 399 with tryptophan.
Molecular consequence: missense variant.
Genome position (GRCh38, 1-based): chr3:14,141,788, T>G. VCF-style: chr3-14141788-T-G. GRCh37 (hg19) VCF-style: chr3-14183288-T-G.
Other names: short protein forms L399W.
Identifiers: ClinVar variation 664468 (VCV000664468.8), dbSNP rs1559363776, ClinGen allele CA351536716.
Genomic context (GRCh38, chr3:14,141,788, plus strand): 5'-TTGCCGGCCTGGCCCTTGTGCCCATCCTTGTTGCTCGGACACGGGTGCCAGCCAAAAAGT[T>G]GGAGTGAAAAGACCCTGGCACCCGCCCGACACCTGCGTGAGCCCTAGGATCCAGGTCCTC-3'
Protein context (NP_077310.1, residues 389-400): VARTRVPAKK[Leu399Trp]E

ClinVar aggregate classification (germline): Uncertain significance. Review status: criteria provided, multiple submitters, no conflicts (2 of 4 stars). 3 submissions from 3 submitters: Uncertain significance (3). Last evaluated 2025-08-05.

Conditions:
Cardiovascular phenotype. Identifiers: MedGen CN230736.
Cardiomyopathy (CMYO). Also called: Cardiomyopathies. Identifiers: Orphanet 167848, MedGen C0878544, MONDO:0004994, HP:0001638. Inheritance: Various modes of inheritance.
Arrhythmogenic right ventricular dysplasia 5. Also called: Arrhythmogenic Right Ventricular Dysplasia/Cardiomyopathy 5; ARRHYTHMOGENIC RIGHT VENTRICULAR DYSPLASIA, FAMILIAL, 5. Identifiers: MedGen C1858379, MONDO:0011459, OMIM 604400.

Allele frequency attached by ClinVar (database versions not stated): gnomAD exomes below 0.00001.
gnomAD v4.1: 1 of 1,613,364 alleles (0.000062%); no homozygotes.

Submissions (3):

Labcorp Genetics (formerly Invitae), Labcorp
Classification: Uncertain significance for Arrhythmogenic right ventricular dysplasia 5. Last evaluated: 2025-08-05. Review status: criteria provided, single submitter. Criteria: Invitae Variant Classification Sherloc (09022015). Collection method: clinical testing. Allele origin: germline.
Comment: This sequence change replaces leucine, which is neutral and non-polar, with tryptophan, which is neutral and slightly polar, at codon 399 of the TMEM43 protein (p.Leu399Trp). This variant is present in population databases (no rsID available, gnomAD 0.0009%). This variant has not been reported in the literature in individuals affected with TMEM43-related conditions. ClinVar contains an entry for this variant (Variation ID: 664468). An algorithm developed to predict the effect of missense changes on protein structure and function (PolyPhen-2) suggests that this variant is likely to be disruptive. In summary, the available evidence is currently insufficient to determine the role of this variant in disease. Therefore, it has been classified as a Variant of Uncertain Significance.

Color Diagnostics, LLC DBA Color Health
Classification: Uncertain significance for Cardiomyopathy. Last evaluated: 2023-11-22. Review status: criteria provided, single submitter. Criteria: ACMG Guidelines, 2015. Collection method: clinical testing. Allele origin: germline.
Comment: This missense variant replaces leucine with tryptophan at codon 399 of the TMEM43 protein. Computational prediction suggests that this variant may not impact protein structure and function. To our knowledge, functional studies have not been reported for this variant. This variant has not been reported in individuals affected with TMEM43-related disorders in the literature. This variant has been identified in 1/250498 chromosomes in the general population by the Genome Aggregation Database (gnomAD). The available evidence is insufficient to determine the role of this variant in disease conclusively. Therefore, this variant is classified as a Variant of Uncertain Significance.

Ambry Genetics
Classification: Uncertain significance for Cardiovascular phenotype. Last evaluated: 2022-07-14. Review status: criteria provided, single submitter. Criteria: Ambry Variant Classification Scheme 2023. Collection method: clinical testing. Allele origin: germline.
Comment: The p.L399W variant (also known as c.1196T>G), located in coding exon 12 of the TMEM43 gene, results from a T to G substitution at nucleotide position 1196. The leucine at codon 399 is replaced by tryptophan, an amino acid with similar properties. This amino acid position is conserved. In addition, this alteration is predicted to be tolerated by in silico analysis. Since supporting evidence is limited at this time, the clinical significance of this alteration remains unclear.